The following is an entry in ClinVar:

ClinVar aggregate classification (germline): Uncertain significance. Review status: criteria provided, multiple submitters, no conflicts (2 of 4 stars). 2 submissions from 2 submitters: Uncertain significance (2). Last evaluated 2026-08-19.

Conditions:
Juvenile polyposis syndrome (JPS). Identifiers: Orphanet 2929, MedGen C0345893, MONDO:0017380, OMIM 174900.
Hereditary cancer-predisposing syndrome. Also called: Neoplastic Syndromes, Hereditary; Hereditary Cancer Syndrome; Tumor predisposition; Hereditary neoplastic syndrome. Identifiers: Orphanet 140162, MedGen C0027672, MeSH D009386, MONDO:0015356.

Submissions (2):

Ambry Genetics
Classification: Uncertain significance for Hereditary cancer-predisposing syndrome. Last evaluated: 2026-08-19. Review status: criteria provided, single submitter. Criteria: Ambry Variant Classification Scheme 2023. Collection method: clinical testing. Allele origin: germline.
Comment: The p.H344R variant (also known as c.1031A>G), located in coding exon 8 of the BMPR1A gene, results from an A to G substitution at nucleotide position 1031. The histidine at codon 344 is replaced by arginine, an amino acid with highly similar properties. This amino acid position is highly conserved in available vertebrate species. In addition, this alteration is predicted to be deleterious by in silico analysis. Based on the available evidence, the clinical significance of this variant remains unclear.

Labcorp Genetics (formerly Invitae), Labcorp
Classification: Uncertain significance for Juvenile polyposis syndrome. Last evaluated: 2019-08-17. Review status: criteria provided, single submitter. Criteria: Invitae Variant Classification Sherloc (09022015). Collection method: clinical testing. Allele origin: germline.
Comment: In summary, the available evidence is currently insufficient to determine the role of this variant in disease. Therefore, it has been classified as a Variant of Uncertain Significance. Algorithms developed to predict the effect of missense changes on protein structure and function are either unavailable or do not agree on the potential impact of this missense change (SIFT: "Tolerated"; PolyPhen-2: "Probably Damaging"; Align-GVGD: "Class C0"). This variant has not been reported in the literature in individuals with BMPR1A-related conditions. This variant is not present in population databases (ExAC no frequency). This sequence change replaces histidine with arginine at codon 344 of the BMPR1A protein (p.His344Arg). The histidine residue is highly conserved and there is a small physicochemical difference between histidine and arginine.

NM_004329.3(BMPR1A):c.1031A>G (p.His344Arg)

Gene: BMPR1A (bone morphogenetic protein receptor type 1A; plus strand). Cytogenetic location: 10q23.2.
Variant type: single nucleotide variant.
Coding change: c.1031A>G on transcript NM_004329.3 (MANE Select); coding-DNA position 1031, A replaced by G.
Protein change: p.His344Arg; replaces histidine 344 with arginine.
Molecular consequence: missense variant.
Genome position (GRCh38, 1-based): chr10:86,919,334, A>G. VCF-style: chr10-86919334-A-G. GRCh37 (hg19) VCF-style: chr10-88679091-A-G.
Other names: short protein forms H344R.
Identifiers: ClinVar variation 960987 (VCV000960987.13), dbSNP rs1843626230, ClinGen allele CA377460639.